The following is an entry in ClinVar:

NM_022552.5(DNMT3A):c.1555-1G>A

Gene: DNMT3A (DNA methyltransferase 3 alpha; minus strand). Cytogenetic location: 2p23.3.
Variant type: single nucleotide variant.
Coding change: c.1555-1G>A on transcript NM_022552.5 (MANE Select); the canonical splice acceptor site of the intron before coding-DNA position 1555, G replaced by A.
Molecular consequence: splice acceptor variant.
Genome position (GRCh38, 1-based): chr2:25,244,653, C>T on the plus strand (G>A on the coding strand, the complement: DNMT3A is on the minus strand). VCF-style: chr2-25244653-C-T. GRCh37 (hg19) VCF-style: chr2-25467522-C-T.
Other names: c.1555-1G>A (NM_175629.2); c.988-1G>A (NM_153759.3); c.1099-1G>A (NM_001320893.1); c.886-1G>A (NM_001375819.1).
Identifiers: ClinVar variation 1320067 (VCV001320067.1), dbSNP rs759936287, ClinGen allele CA346072314.
Genomic context (GRCh38, chr2:25,244,653, plus strand): 5'-GGTGCAGTAGGACTGGTAGCCGTCGTCGTCGTACTGGTACGCACACTCCAGAAAGCAGTT[C>T]TAGACAGCAGCGGGAAGGGTCAGAAACCACCAGGACGGGTCCCAGGACGGCCAGGACGAA-3'

ClinVar aggregate classification (germline): Pathogenic (1 of 4 stars; one submission).

Conditions:
Tatton-Brown-Rahman overgrowth syndrome. Also called: Tatton-Brown-Rahman syndrome; Tall stature-intellectual disability-facial dysmorphism syndrome. Identifiers: Orphanet 404443, MedGen C4014545, MONDO:0014382, OMIM 615879.

Allele frequency attached by ClinVar (database versions not stated): gnomAD exomes below 0.00001; gnomAD 0.00001.
gnomAD v4.1: 5 of 1,613,906 alleles (0.00031%); highest among the groups gnomAD compares: African/African-American, 0.0013%; no homozygotes.

Submission:

3billion
Classification: Pathogenic for Tatton-Brown-Rahman overgrowth syndrome. Last evaluated: 2021-10-02. Review status: criteria provided, single submitter. Criteria: ACMG Guidelines, 2015. Collection method: clinical testing. Allele origin: germline. Affected: yes. Observed: 1 heterozygote.
Comment: Canonical splice site: predicted to alter splicing and result in a loss or disruption of normal protein function through nonsense-mediated decay (NMD) or protein truncation. Multiple pathogenic variants are reported downstream of the variant (PVS1_VS). The variant was observed as assumed (i.e. paternity and maternity not confirmed) de novoo (3billion dataset, PM6). It is not observed in the gnomAD v2.1.1 dataset (PM2). Therefore, this variant is classified as pathogenic according to the recommendation of ACMG/AMP guideline.